The following is an entry in ClinVar:

ClinVar aggregate classification (germline): Uncertain significance (1 of 4 stars; one submission).

Conditions:
Myofibrillar myopathy 5. Also called: FILAMINOPATHY, AUTOSOMAL DOMINANT; Filaminopathy (type). Identifiers: Orphanet 171445, MedGen C1836050, MONDO:0012289, OMIM 609524.
Distal myopathy with posterior leg and anterior hand involvement. Also called: WILLIAMS DISTAL MYOPATHY. Identifiers: Orphanet 63273, MedGen C3279722, MONDO:0013550, OMIM 614065.
Hypertrophic cardiomyopathy 26. Also called: Cardiomyopathy, familial hypertrophic, 26. Identifiers: Orphanet 75249, MedGen C4310749, MONDO:0014883, OMIM 617047.

Allele frequency attached by ClinVar (database versions not stated): gnomAD exomes below 0.00001 and 0.00001; TOPMed below 0.00001.

Submission:

Labcorp Genetics (formerly Invitae), Labcorp
Classification: Uncertain significance for Distal myopathy with posterior leg and anterior hand involvement; Myofibrillar myopathy 5; Hypertrophic cardiomyopathy 26. Last evaluated: 2022-10-26. Review status: criteria provided, single submitter. Criteria: Invitae Variant Classification Sherloc (09022015). Collection method: clinical testing. Allele origin: germline.
Comment: This variant is present in population databases (no rsID available, gnomAD 0.009%). In summary, the available evidence is currently insufficient to determine the role of this variant in disease. Therefore, it has been classified as a Variant of Uncertain Significance. Algorithms developed to predict the effect of sequence changes on RNA splicing suggest that this variant may create or strengthen a splice site. Advanced modeling of protein sequence and biophysical properties (such as structural, functional, and spatial information, amino acid conservation, physicochemical variation, residue mobility, and thermodynamic stability) has been performed at Invitae for this missense variant, however the output from this modeling did not meet the statistical confidence thresholds required to predict the impact of this variant on FLNC protein function. ClinVar contains an entry for this variant (Variation ID: 854966). This variant has not been reported in the literature in individuals affected with FLNC-related conditions. This sequence change replaces methionine, which is neutral and non-polar, with isoleucine, which is neutral and non-polar, at codon 1836 of the FLNC protein (p.Met1836Ile).

NM_001458.5(FLNC):c.5508G>A (p.Met1836Ile)

Genes: FLNC-AS1 (FLNC antisense RNA 1; minus strand), FLNC (filamin C; plus strand). Cytogenetic location: 7q32.1.
Variant type: single nucleotide variant.
Coding change: c.5508G>A on transcript NM_001458.5 (MANE Select); coding-DNA position 5508, G replaced by A.
Protein change: p.Met1836Ile; replaces methionine 1836 with isoleucine.
Molecular consequence: missense variant.
Genome position (GRCh38, 1-based): chr7:128,850,912, G>A. VCF-style: chr7-128850912-G-A. GRCh37 (hg19) VCF-style: chr7-128490966-G-A.
Other names: c.5409G>A, p.Met1803Ile (NM_001127487.2); short protein forms M1836I, M1803I.
Identifiers: ClinVar variation 854966 (VCV000854966.10), dbSNP rs1175006964, ClinGen allele CA369206946.